The following is an entry in ClinVar:

NM_001164508.2(NEB):c.5238+1G>A

Gene: NEB (nebulin; minus strand). Cytogenetic location: 2q23.3.
Variant type: single nucleotide variant.
Coding change: c.5238+1G>A on transcript NM_001164508.2 (MANE Select); the canonical splice donor site of the intron after coding-DNA position 5238, G replaced by A.
Molecular consequence: splice donor variant.
Genome position (GRCh38, 1-based): chr2:151,665,332, C>T on the plus strand (G>A on the coding strand, the complement: NEB is on the minus strand). VCF-style: chr2-151665332-C-T. GRCh37 (hg19) VCF-style: chr2-152521846-C-T.
Other names: c.5238+1G>A (NM_004543.5, NM_001164507.2, NM_001271208.2).
Identifiers: ClinVar variation 3382110 (VCV003382110.2).

ClinVar aggregate classification (germline): Uncertain significance (1 of 4 stars; one submission).

Conditions:
Nemaline myopathy 2 (NEM2). Also called: Nemaline myopathy 2, autosomal recessive. Identifiers: MedGen C1850569, MONDO:0009725, OMIM 256030.

Submission:

Juno Genomics, Hangzhou Juno Genomics, Inc
Classification: Uncertain significance for Nemaline myopathy 2. Review status: criteria provided, single submitter. Criteria: ACMG Guidelines, 2015. Collection method: clinical testing. Allele origin: germline. Affected: yes.
Comment: Absent from controls (or at extremely low frequency if recessive) in Genome Aggregation Database, Exome Sequencing Project, 1000 Genomes Project, or Exome Aggregation Consortium.;Null variant in a gene where loss of function (LOF) is a known mechanism of disease.;For recessive disorders, detected in trans with a pathogenic variant.;Patient's phenotype or family history is highly specific for a disease with a single genetic etiology.